The following is an entry in ClinVar:

ClinVar aggregate classification (germline): Uncertain significance. Review status: criteria provided, multiple submitters, no conflicts (2 of 4 stars). 3 submissions from 3 submitters: Uncertain significance (3). Last evaluated 2025-03-05.

Allele frequency attached by ClinVar (database versions not stated): TOPMed below 0.00001; gnomAD exomes 0.00001; ESP Exome Variant Server 0.00008.

Submissions (3):

Labcorp Genetics (formerly Invitae), Labcorp
Classification: Uncertain significance. Last evaluated: 2025-03-05. Review status: criteria provided, single submitter. Criteria: Invitae Variant Classification Sherloc (09022015). Collection method: clinical testing. Allele origin: germline.
Comment: This sequence change replaces proline, which is neutral and non-polar, with leucine, which is neutral and non-polar, at codon 340 of the SRP72 protein (p.Pro340Leu). This variant is present in population databases (rs144019924, gnomAD 0.004%). This variant has not been reported in the literature in individuals affected with SRP72-related conditions. ClinVar contains an entry for this variant (Variation ID: 1942797). Invitae Evidence Modeling of protein sequence and biophysical properties (such as structural, functional, and spatial information, amino acid conservation, physicochemical variation, residue mobility, and thermodynamic stability) indicates that this missense variant is not expected to disrupt SRP72 protein function with a negative predictive value of 80%. In summary, the available evidence is currently insufficient to determine the role of this variant in disease. Therefore, it has been classified as a Variant of Uncertain Significance.

Ambry Genetics
Classification: Uncertain significance. Last evaluated: 2024-12-21. Review status: criteria provided, single submitter. Criteria: Ambry Variant Classification Scheme 2023. Collection method: clinical testing. Allele origin: germline.
Comment: The p.P340L variant (also known as c.1019C>T), located in coding exon 10 of the SRP72 gene, results from a C to T substitution at nucleotide position 1019. The proline at codon 340 is replaced by leucine, an amino acid with similar properties. This amino acid position is conserved. In addition, this alteration is predicted to be deleterious by in silico analysis. Based on the available evidence, the clinical significance of this variant remains unclear.

GeneDx
Classification: Uncertain significance. Last evaluated: 2024-01-17. Review status: criteria provided, single submitter. Criteria: GeneDx Variant Classification Process June 2021. Collection method: clinical testing. Allele origin: germline. Affected: yes.
Comment: Not observed at significant frequency in large population cohorts (gnomAD); In silico analysis supports that this missense variant has a deleterious effect on protein structure/function; Has not been previously published as pathogenic or benign to our knowledge

NM_006947.4(SRP72):c.1019C>T (p.Pro340Leu)

Gene: SRP72 (signal recognition particle 72; plus strand). Cytogenetic location: 4q12.
Variant type: single nucleotide variant.
Coding change: c.1019C>T on transcript NM_006947.4 (MANE Select); coding-DNA position 1019, C replaced by T.
Protein change: p.Pro340Leu; replaces proline 340 with leucine.
Molecular consequence: missense variant. On other transcripts: non-coding transcript variant (1).
Genome position (GRCh38, 1-based): chr4:56,484,797, C>T. VCF-style: chr4-56484797-C-T. GRCh37 (hg19) VCF-style: chr4-57350963-C-T.
Other names: c.1019C>T (NM_006947.3); c.836C>T, p.Pro279Leu (NM_001267722.2); short protein forms P340L, P279L.
Identifiers: ClinVar variation 1942797 (VCV001942797.7), dbSNP rs144019924, ClinGen allele CA97602585.